The following is an entry in ClinVar:

ClinVar aggregate classification (germline): Uncertain significance (1 of 4 stars; one submission).

gnomAD v4.1: 17 of 1,613,976 alleles (0.0011%); highest among the groups gnomAD compares: Non-Finnish European, 0.0014%; no homozygotes.

Submission:

Labcorp Genetics (formerly Invitae), Labcorp
Classification: Uncertain significance. Last evaluated: 2022-10-01. Review status: criteria provided, single submitter. Criteria: Invitae Variant Classification Sherloc (09022015). Collection method: clinical testing. Allele origin: germline.
Comment: Algorithms developed to predict the effect of missense changes on protein structure and function are either unavailable or do not agree on the potential impact of this missense change (SIFT: "Deleterious"; PolyPhen-2: "Possibly Damaging"; Align-GVGD: "Class C15"). This variant has not been reported in the literature in individuals affected with RP1-related conditions. This variant is present in population databases (no rsID available, gnomAD 0.0009%). This sequence change replaces cysteine, which is neutral and slightly polar, with phenylalanine, which is neutral and non-polar, at codon 505 of the RP1 protein (p.Cys505Phe). In summary, the available evidence is currently insufficient to determine the role of this variant in disease. Therefore, it has been classified as a Variant of Uncertain Significance.

NM_006269.2(RP1):c.1514G>T (p.Cys505Phe)

Gene: RP1 (RP1 axonemal microtubule associated; plus strand). Cytogenetic location: 8q12.1.
Variant type: single nucleotide variant.
Coding change: c.1514G>T on transcript NM_006269.2 (MANE Select); coding-DNA position 1514, G replaced by T.
Protein change: p.Cys505Phe; replaces cysteine 505 with phenylalanine.
Molecular consequence: missense variant. On other transcripts: intron variant (1).
Genome position (GRCh38, 1-based): chr8:54,625,396, G>T. VCF-style: chr8-54625396-G-T. GRCh37 (hg19) VCF-style: chr8-55537956-G-T.
Other names: c.787+3108G>T (NM_001375654.1); short protein forms C505F.
Identifiers: ClinVar variation 1999855 (VCV001999855.4), dbSNP rs1229330495, ClinGen allele CA370990624.